The following is an entry in ClinVar:

NM_021072.4(HCN1):c.91G>T (p.Gly31Trp)

Gene: HCN1 (hyperpolarization activated cyclic nucleotide gated potassium channel 1; minus strand). Cytogenetic location: 5p12.
Variant type: single nucleotide variant.
Coding change: c.91G>T on transcript NM_021072.4 (MANE Select); coding-DNA position 91, G replaced by T.
Protein change: p.Gly31Trp; replaces glycine 31 with tryptophan.
Molecular consequence: missense variant.
Genome position (GRCh38, 1-based): chr5:45,696,003, C>A on the plus strand (G>T on the coding strand, the complement: HCN1 is on the minus strand). VCF-style: chr5-45696003-C-A. GRCh37 (hg19) VCF-style: chr5-45696105-C-A.
Other names: short protein forms G31W.
Identifiers: ClinVar variation 1494945 (VCV001494945.9), dbSNP rs2112109649, ClinGen allele CA359706762.

ClinVar aggregate classification (germline): Uncertain significance (1 of 4 stars; one submission).

Conditions:
Early-infantile DEE. Also called: Ohtahara syndrome; Early infantile epileptic encephalopathy; Early infantile epileptic encephalopathy with suppression bursts. Identifiers: Orphanet 1934, MedGen C0393706, MONDO:0800491.

Allele frequency attached by ClinVar (database versions not stated): gnomAD exomes below 0.00001.

Submission:

Labcorp Genetics (formerly Invitae), Labcorp
Classification: Uncertain significance for Early-infantile DEE. Last evaluated: 2022-12-06. Review status: criteria provided, single submitter. Criteria: Invitae Variant Classification Sherloc (09022015). Collection method: clinical testing. Allele origin: germline.
Comment: In summary, the available evidence is currently insufficient to determine the role of this variant in disease. Therefore, it has been classified as a Variant of Uncertain Significance. Advanced modeling of protein sequence and biophysical properties (such as structural, functional, and spatial information, amino acid conservation, physicochemical variation, residue mobility, and thermodynamic stability) performed at Invitae indicates that this missense variant is not expected to disrupt HCN1 protein function. ClinVar contains an entry for this variant (Variation ID: 1494945). This variant has not been reported in the literature in individuals affected with HCN1-related conditions. This variant is not present in population databases (gnomAD no frequency). This sequence change replaces glycine, which is neutral and non-polar, with tryptophan, which is neutral and slightly polar, at codon 31 of the HCN1 protein (p.Gly31Trp).